The following is an entry in ClinVar:

NM_013444.4(UBQLN2):c.1331C>T (p.Ser444Leu)

Gene: UBQLN2 (ubiquilin 2; plus strand). Cytogenetic location: Xp11.21.
Variant type: single nucleotide variant.
Coding change: c.1331C>T on transcript NM_013444.4 (MANE Select); coding-DNA position 1331, C replaced by T.
Protein change: p.Ser444Leu; replaces serine 444 with leucine.
Molecular consequence: missense variant.
Genome position (GRCh38, 1-based): chrX:56,565,204, C>T. VCF-style: chrX-56565204-C-T. GRCh37 (hg19) VCF-style: chrX-56591637-C-T.
Other names: short protein forms S444L.
Identifiers: ClinVar variation 3769963 (VCV003769963.1).
Genomic context (GRCh38, chrX:56,565,204, plus strand): 5'-AGCAGATGCGGCCACAGCTCCCAGCCTTCCTGCAGCAGATGCAGAATCCAGACACACTAT[C>T]AGCCATGTCAAACCCAAGAGCAATGCAGGCTTTAATGCAGATCCAGCAGGGGCTACAGAC-3'
Protein context (NP_038472.2, residues 434-454): LQQMQNPDTL[Ser444Leu]AMSNPRAMQA

ClinVar aggregate classification (germline): Uncertain significance (1 of 4 stars; one submission).

Submission:

GeneDx
Classification: Uncertain significance. Last evaluated: 2024-09-11. Review status: criteria provided, single submitter. Criteria: GeneDx Variant Classification Process June 2021. Collection method: clinical testing. Allele origin: germline. Affected: yes.
Comment: Not observed at significant frequency in large population cohorts (gnomAD); In silico analysis supports that this missense variant has a deleterious effect on protein structure/function; Has not been previously published as pathogenic or benign to our knowledge